The following is an entry in ClinVar:

ClinVar aggregate classification (germline): Uncertain significance (1 of 4 stars; one submission).

Submission:

GeneDx
Classification: Uncertain significance. Last evaluated: 2026-03-30. Review status: criteria provided, single submitter. Criteria: GeneDx Variant Classification Process June 2021. Collection method: clinical testing. Allele origin: germline.
Comment: Not observed at significant frequency in large population cohorts (gnomAD); In silico analysis suggests that this missense variant does not alter protein structure/function; Has not been previously published as pathogenic or benign to our knowledge

NM_001085049.3(MRAS):c.414G>C (p.Arg138Ser)

Gene: MRAS (muscle RAS oncogene homolog; plus strand). Cytogenetic location: 3q22.3.
Variant type: single nucleotide variant.
Coding change: c.414G>C on transcript NM_001085049.3 (MANE Select); coding-DNA position 414, G replaced by C.
Protein change: p.Arg138Ser; replaces arginine 138 with serine.
Molecular consequence: missense variant.
Genome position (GRCh38, 1-based): chr3:138,398,535, G>C. VCF-style: chr3-138398535-G-C. GRCh37 (hg19) VCF-style: chr3-138117377-G-C.
Other names: c.414G>C, p.Arg138Ser (NM_001252090.2, NM_012219.4); c.186G>C, p.Arg62Ser (NM_001252091.1, NM_001252092.2, NM_001252093.2); short protein forms R138S, R62S.
Identifiers: ClinVar variation 5017930 (VCV005017930.1).